The following is an entry in ClinVar:

ClinVar aggregate classification (germline): Uncertain significance (1 of 4 stars; one submission).

Submission:

Labcorp Genetics (formerly Invitae), Labcorp
Classification: Uncertain significance. Last evaluated: 2023-11-27. Review status: criteria provided, single submitter. Criteria: Invitae Variant Classification Sherloc (09022015). Collection method: clinical testing. Allele origin: germline.
Comment: This sequence change replaces aspartic acid, which is acidic and polar, with alanine, which is neutral and non-polar, at codon 367 of the FGFR3 protein (p.Asp367Ala). This variant is not present in population databases (gnomAD no frequency). This variant has not been reported in the literature in individuals affected with FGFR3-related conditions. Advanced modeling of protein sequence and biophysical properties (such as structural, functional, and spatial information, amino acid conservation, physicochemical variation, residue mobility, and thermodynamic stability) performed at Invitae indicates that this missense variant is not expected to disrupt FGFR3 protein function with a negative predictive value of 95%. In summary, the available evidence is currently insufficient to determine the role of this variant in disease. Therefore, it has been classified as a Variant of Uncertain Significance.

NM_000142.5(FGFR3):c.1100A>C (p.Asp367Ala)

Gene: FGFR3 (fibroblast growth factor receptor 3; plus strand). Cytogenetic location: 4p16.3.
Variant type: single nucleotide variant.
Coding change: c.1100A>C on transcript NM_000142.5 (MANE Select); coding-DNA position 1100, A replaced by C.
Protein change: p.Asp367Ala; replaces aspartic acid 367 with alanine.
Molecular consequence: missense variant. On other transcripts: non-coding transcript variant (1), intron variant (1).
Genome position (GRCh38, 1-based): chr4:1,804,354, A>C. VCF-style: chr4-1804354-A-C. GRCh37 (hg19) VCF-style: chr4-1806081-A-C.
Other names: c.1106A>C, p.Asp369Ala (NM_001163213.2); c.1100A>C, p.Asp367Ala (NM_001354809.2, NM_001354810.2); c.931-470A>C (NM_022965.4); short protein forms D367A, D369A.
Identifiers: ClinVar variation 2696057 (VCV002696057.3), dbSNP rs2108796583, ClinGen allele CA355978869.
Genomic context (GRCh38, chr4:1,804,354, plus strand): 5'-GGGCCAGGCCAGGCCTCAACGCCCATGTCTTTGCAGCCGAGGAGGAGCTGGTGGAGGCTG[A>C]CGAGGCGGGCAGTGTGTATGCAGGCATCCTCAGCTACGGGGTGGGCTTCTTCCTGTTCAT-3'
Protein context (NP_000133.1, residues 357-377): LPAEEELVEA[Asp367Ala]EAGSVYAGIL